The following is an entry in ClinVar:

NM_018406.7(MUC4):c.8220C>T (p.Thr2740=)

Gene: MUC4 (mucin 4, cell surface associated). Cytogenetic location: 3q29.
Variant type: single nucleotide variant.
Coding change: c.8220C>T on transcript NM_018406.7 (MANE Select); coding-DNA position 8220, C replaced by T.
Protein change: p.Thr2740=; no amino-acid change (threonine 2740 retained).
Molecular consequence: synonymous variant. On other transcripts: genic upstream transcript variant (2).
Genome position (GRCh38, 1-based): chr3:195,783,360, G>A on the plus strand (C>T on the coding strand, the complement: MUC4 is on the minus strand). VCF-style: chr3-195783360-G-A. GRCh37 (hg19) VCF-style: chr3-195510231-G-A.
Other names: c.11883C>T, p.Thr3961= (NM_001322468.1); c.83-9055C>T (NM_138297.5); c.83-4905C>T (NM_004532.6).
Identifiers: ClinVar variation 2654451 (VCV002654451.24), dbSNP rs753085269, ClinGen allele CA2771777.

ClinVar aggregate classification (germline): Likely benign (1 of 4 stars; one submission).

Allele frequency attached by ClinVar (database versions not stated): ExAC 0.00409.

Submission:

CeGaT Center for Human Genetics Tuebingen
Classification: Likely benign. Last evaluated: 2025-12-01. Review status: criteria provided, single submitter. Criteria: CeGaT Center For Human Genetics Tuebingen Variant Classification Criteria Version 2. Collection method: clinical testing. Allele origin: germline. Affected: yes. Observed: 5 variant alleles.
Comment: MUC4: BP4, BP7